The following is an entry in ClinVar:

ClinVar aggregate classification (germline): Likely benign. Review status: criteria provided, multiple submitters, no conflicts (2 of 4 stars). 3 submissions from 3 submitters: Likely benign (2). 1 of the submissions does not count toward it. Last evaluated 2025-09-24.

Conditions:
TOE1-related disorder. Also called: TOE1-related condition.

Allele frequency attached by ClinVar (database versions not stated): gnomAD 0.00001; TOPMed 0.00001.

Submissions (3):

Labcorp Genetics (formerly Invitae), Labcorp
Classification: Likely benign. Last evaluated: 2025-09-24. Review status: criteria provided, single submitter. Criteria: Invitae Variant Classification Sherloc (09022015). Collection method: clinical testing. Allele origin: germline.

Breakthrough Genomics
Classification: Likely benign. Review status: criteria provided, single submitter. Criteria: ACMG Guidelines, 2015. Collection method: not provided. Allele origin: germline. Inheritance: Autosomal recessive inheritance. Affected: yes.

PreventionGenetics, part of Exact Sciences
Classification: Likely benign for TOE1-related condition. Last evaluated: 2019-05-27. Review status: no assertion criteria provided. Collection method: clinical testing. Allele origin: germline. Not counted in ClinVar's aggregate classification.
Comment: This variant is classified as likely benign based on ACMG/AMP sequence variant interpretation guidelines (Richards et al. 2015 PMID: 25741868, with internal and published modifications).

NM_025077.4(TOE1):c.438C>T (p.Phe146=)

Gene: TOE1 (target of EGR1, exonuclease; plus strand). Cytogenetic location: 1p34.1.
Variant type: single nucleotide variant.
Coding change: c.438C>T on transcript NM_025077.4 (MANE Select); coding-DNA position 438, C replaced by T.
Protein change: p.Phe146=; no amino-acid change (phenylalanine 146 retained).
Molecular consequence: synonymous variant.
Genome position (GRCh38, 1-based): chr1:45,342,053, C>T. VCF-style: chr1-45342053-C-T. GRCh37 (hg19) VCF-style: chr1-45807725-C-T.
Other names: c.438C>T (NM_025077.3).
Identifiers: ClinVar variation 1570921 (VCV001570921.10), dbSNP rs999921798, ClinGen allele CA21849118.